The following is an entry in ClinVar:

ClinVar aggregate classification (germline): Conflicting classifications of pathogenicity. Review status: criteria provided, conflicting classifications (1 of 4 stars). 4 submissions from 4 submitters: Likely pathogenic (3); Uncertain significance (1). Last evaluated 2025-10-04.

Conditions:
LMF1-related disorder. Also called: LMF1-related condition.
Lipase deficiency, combined. Also called: LIPOPROTEIN LIPASE DEFICIENCY WITH HEPATIC TRIGLYCERIDE LIPASE DEFICIENCY; LPL AND HL DEFICIENCY; LPL AND HTGL DEFICIENCY. Identifiers: Orphanet 535453, MedGen C1855498, MONDO:0009527, OMIM 246650.

Allele frequency attached by ClinVar (database versions not stated): gnomAD exomes 0.00004 and 0.00008; gnomAD 0.00005; TOPMed 0.00006; ExAC 0.00009; 1000 Genomes Project 30x 0.00031; 1000 Genomes Project 0.00040.
gnomAD v4.1: 74 of 1,599,320 alleles (0.0046%); highest among the groups gnomAD compares: East Asian, 0.02%; no homozygotes.

Submissions (4):

Labcorp Genetics (formerly Invitae), Labcorp
Classification: Likely pathogenic. Last evaluated: 2025-10-04. Review status: criteria provided, single submitter. Criteria: Invitae Variant Classification Sherloc (09022015). Collection method: clinical testing. Allele origin: germline.
Comment: This sequence change replaces glycine, which is neutral and non-polar, with arginine, which is basic and polar, at codon 172 of the LMF1 protein (p.Gly172Arg). This variant also falls at the last nucleotide of exon 3, which is part of the consensus splice site for this exon. This variant is present in population databases (rs201406396, gnomAD 0.01%). This missense change has been observed in individuals with clinical features of chylomicronemia and/or LMF1-related conditions (PMID: 30037590, 36325899; internal data). ClinVar contains an entry for this variant (Variation ID: 1399714). An algorithm developed to predict the effect of missense changes on protein structure and function (PolyPhen-2) suggests that this variant is likely to be disruptive. Experimental studies have shown that this missense change affects LMF1 function (PMID: 30037590). Variants that disrupt the consensus splice site are a relatively common cause of aberrant splicing (PMID: 17576681, 9536098). In summary, the currently available evidence indicates that the variant is pathogenic, but additional data are needed to prove that conclusively. Therefore, this variant has been classified as Likely Pathogenic.

PreventionGenetics, part of Exact Sciences
Classification: Uncertain significance for LMF1-related condition. Last evaluated: 2025-09-25. Review status: criteria provided, single submitter. Criteria: ACMG Guidelines, 2015. Collection method: clinical testing. Allele origin: germline.
Comment: The LMF1 c.514G>A variant is predicted to result in the amino acid substitution p.Gly172Arg. This variant has been reported in the homozygous state in an individual with hypertriglyceridemia (Serveaux Dancer et al. 2018. PubMed ID: 30037590). This variant is reported in 0.014% of alleles in individuals of Latino descent in gnomAD. This variant is predicted to alter splicing based on available splicing prediction programs (SpliceAI, Jaganathan et al. 2019. PubMed ID: 30661751; Alamut Visual v1.6.1). However, the use of computer prediction programs is not equivalent to functional evidence. An in vitro experimental study suggests this variant reduces lipoprotein lipase activity (Serveaux Dancer et al. 2018. PubMed ID: 30037590). Although we suspect that this variant may be pathogenic, at this time, the clinical significance of this variant is uncertain due to the absence of conclusive functional and genetic evidence.

First Genomix Gene Laboratory, Genetic Diagnostics Department
Classification: Likely pathogenic for Lipase deficiency, combined. Last evaluated: 2025-03-27. Review status: criteria provided, single submitter. Criteria: ACMG Guidelines, 2015. Collection method: clinical testing. Allele origin: germline. Inheritance: Autosomal recessive inheritance. Affected: no. Observed: 1 variant allele.

Blueprint Genetics
Classification: Likely pathogenic for LMF1-related disorders. Last evaluated: 2024-07-09. Review status: criteria provided, single submitter. Criteria: ACMG Guidelines, 2015. Collection method: clinical testing. Allele origin: germline. Affected: yes. Observed: 5 variant alleles.

Literature cited by the submitters: PubMed 30037590 (cited by Labcorp Genetics (formerly Invitae), Labcorp); PubMed 36325899 (cited by Labcorp Genetics (formerly Invitae), Labcorp); PubMed 17576681 (cited by Labcorp Genetics (formerly Invitae), Labcorp); PubMed 9536098 (cited by Labcorp Genetics (formerly Invitae), Labcorp).

NM_022773.4(LMF1):c.514G>A (p.Gly172Arg)

Genes: LMF1 (lipase maturation factor 1; minus strand), LMF1-AS1 (LMF1 antisense RNA 1; plus strand). Cytogenetic location: 16p13.3.
Variant type: single nucleotide variant.
Coding change: c.514G>A on transcript NM_022773.4 (MANE Select); coding-DNA position 514, G replaced by A.
Protein change: p.Gly172Arg; replaces glycine 172 with arginine.
Molecular consequence: missense variant. On other transcripts: non-coding transcript variant (3), 5 prime UTR variant (3).
Genome position (GRCh38, 1-based): chr16:934,244, C>T on the plus strand (G>A on the coding strand, the complement: LMF1 is on the minus strand). VCF-style: chr16-934244-C-T. GRCh37 (hg19) VCF-style: chr16-984244-C-T.
Other names: c.-290G>A (NM_001352017.2); c.-41G>A (NM_001352018.2); c.187G>A, p.Gly63Arg (NM_001352019.2); c.514G>A, p.Gly172Arg (NM_001352020.1); c.-192G>A (NM_001352021.2); c.514G>A (NM_022773.2); short protein forms G172R, G63R.
Identifiers: ClinVar variation 1399714 (VCV001399714.9), dbSNP rs201406396, ClinGen allele CA7797542.